The following is an entry in ClinVar:

ClinVar aggregate classification (germline): Benign/Likely benign. Review status: criteria provided, multiple submitters, no conflicts (2 of 4 stars). 3 submissions from 3 submitters: Benign (1); Likely benign (2). Last evaluated 2024-07-03.

Conditions:
Hereditary cancer-predisposing syndrome. Also called: Tumor predisposition; Hereditary neoplastic syndrome; Hereditary Cancer Syndrome; Neoplastic Syndromes, Hereditary. Identifiers: Orphanet 140162, MedGen C0027672, MeSH D009386, MONDO:0015356.
Oligodontia-cancer predisposition syndrome. Also called: TOOTH AGENESIS-COLORECTAL CANCER SYNDROME. Identifiers: Orphanet 300576, MedGen C1837750, MONDO:0012075, OMIM 608615. Disease mechanism: loss of function.

gnomAD v4.1: 1 of 1,613,760 alleles (0.000062%); highest among the groups gnomAD compares: Non-Finnish European, 0.000085%; no homozygotes.

Submissions (3):

Myriad Genetics, Inc.
Classification: Benign for Oligodontia-cancer predisposition syndrome. Last evaluated: 2024-07-03. Review status: criteria provided, single submitter. Criteria: Myriad Autosomal Dominant, Autosomal Recessive and X-Linked Classification Criteria (2023). Collection method: clinical testing. Allele origin: unknown.
Comment: This variant is considered benign. This variant is a silent/synonymous amino acid change and it is not expected to impact splicing.

Labcorp Genetics (formerly Invitae), Labcorp
Classification: Likely benign for Oligodontia-cancer predisposition syndrome. Last evaluated: 2022-11-23. Review status: criteria provided, single submitter. Criteria: Invitae Variant Classification Sherloc (09022015). Collection method: clinical testing. Allele origin: germline.

Ambry Genetics
Classification: Likely benign for Hereditary cancer-predisposing syndrome. Last evaluated: 2021-12-23. Review status: criteria provided, single submitter. Criteria: Ambry Variant Classification Scheme 2023. Collection method: clinical testing. Allele origin: germline.

NM_004655.4(AXIN2):c.1512C>T (p.Gly504=)

Gene: AXIN2 (axin 2; minus strand). Cytogenetic location: 17q24.1.
Variant type: single nucleotide variant.
Coding change: c.1512C>T on transcript NM_004655.4 (MANE Select); coding-DNA position 1512, C replaced by T.
Protein change: p.Gly504=; no amino-acid change (glycine 504 retained).
Molecular consequence: synonymous variant.
Genome position (GRCh38, 1-based): chr17:65,537,524, G>A on the plus strand (C>T on the coding strand, the complement: AXIN2 is on the minus strand). VCF-style: chr17-65537524-G-A. GRCh37 (hg19) VCF-style: chr17-63533642-G-A.
Other names: c.1512C>T (LRG_296t1); c.1512C>T, p.Gly504= (NM_001363813.1).
Identifiers: ClinVar variation 575524 (VCV000575524.12), dbSNP rs1555577745, ClinGen allele CA501691507.